The following is an entry in ClinVar:

NM_004448.4(ERBB2):c.3482G>A (p.Arg1161Gln)

Gene: ERBB2 (erb-b2 receptor tyrosine kinase 2; plus strand). Cytogenetic location: 17q12.
Variant type: single nucleotide variant.
Coding change: c.3482G>A on transcript NM_004448.4 (MANE Select); coding-DNA position 3482, G replaced by A.
Protein change: p.Arg1161Gln; replaces arginine 1161 with glutamine.
Molecular consequence: missense variant. On other transcripts: 3 prime UTR variant (2), non-coding transcript variant (1).
Genome position (GRCh38, 1-based): chr17:39,727,758, G>A. VCF-style: chr17-39727758-G-A. GRCh37 (hg19) VCF-style: chr17-37884011-G-A.
Other names: c.3392G>A, p.Arg1131Gln (NM_001005862.3, NM_001382782.1, NM_001382783.1); c.3437G>A, p.Arg1146Gln (NM_001289936.2); c.*61G>A (NM_001289937.2, NM_001382803.1); c.3599G>A, p.Arg1200Gln (NM_001382784.1); c.3584G>A, p.Arg1195Gln (NM_001382785.1); c.3563G>A, p.Arg1188Gln (NM_001382786.1); c.3557G>A, p.Arg1186Gln (NM_001382787.1); c.3512G>A, p.Arg1171Gln (NM_001382788.1); and 16 more; short protein forms R1131Q, R1161Q, R1146Q, R1075Q, R1093Q, R1099Q, R1101Q, R1109Q.
Identifiers: ClinVar variation 134085 (VCV000134085.10), dbSNP rs150680317, ClinGen allele CA158684.
Genomic context (GRCh38, chr17:39,727,758, plus strand): 5'-ACCAGCCAGATGTTCGGCCCCAGCCCCCTTCGCCCCGAGAGGGCCCTCTGCCTGCTGCCC[G>A]ACCTGCTGGTGCCACTCTGGAAAGGCCCAAGACTCTCTCCCCAGGGAAGAATGGGGTCGT-3'
Protein context (NP_004439.2, residues 1151-1171): SPREGPLPAA[Arg1161Gln]PAGATLERPK

ClinVar aggregate classification (germline): Benign. Review status: criteria provided, single submitter (1 of 4 stars). 2 submissions from 2 submitters: Benign (1). 1 of the submissions does not count toward it. Last evaluated 2025-11-21.

Allele frequency attached by ClinVar (database versions not stated): gnomAD exomes 0.00025 and 0.00062; ExAC 0.00078; ESP Exome Variant Server 0.00200; gnomAD 0.00220 and 0.00234; TOPMed 0.00264; 1000 Genomes Project 0.00280; 1000 Genomes Project 30x 0.00297.
gnomAD v4.1: 716 of 1,602,984 alleles (0.045%); highest among the groups gnomAD compares: African/African-American, 0.76%; 3 homozygotes.

Submissions (2):

Labcorp Genetics (formerly Invitae), Labcorp
Classification: Benign. Last evaluated: 2025-11-21. Review status: criteria provided, single submitter. Criteria: Invitae Variant Classification Sherloc (09022015). Collection method: clinical testing. Allele origin: germline.

ITMI
No classification provided. Condition: AllHighlyPenetrant. Last evaluated: 2013-09-19. Review status: no classification provided. Collection method: reference population. Allele origin: germline. Not counted in ClinVar's aggregate classification.
Comment: Please see associated publication for description of ethnicities

Literature cited by the submitters: PubMed 24728327 (cited by ITMI).